The following is an entry in ClinVar:

NM_016648.4(LARP7):c.1529_1541del (p.Tyr510fs)

Gene: LARP7 (La ribonucleoprotein 7, transcriptional regulator; plus strand). Cytogenetic location: 4q25.
Variant type: Deletion.
Coding change: c.1529_1541del on transcript NM_016648.4 (MANE Select); coding-DNA positions 1529 to 1541, 13 bases deleted (ATACAGAAATTAA).
Protein change: p.Tyr510fs; shifts the reading frame from tyrosine 510.
Molecular consequence: frameshift variant.
Genome position (GRCh38, 1-based): chr4:112,653,189-112,653,201, ATACAGAAATTAA deleted. VCF-style (leftmost placement, unchanged base first): chr4-112653188-TATACAGAAATTAA-T. GRCh37 (hg19) VCF-style: chr4-113574344-TATACAGAAATTAA-T.
Other names: c.1529_1541del, p.Tyr510fs (NM_001267039.4, NM_001370978.1, NM_015454.3); c.1568_1580del, p.Tyr523fs (NM_001370974.1, NM_001370975.1); c.1565_1577del, p.Tyr522fs (NM_001370976.1, NM_001370977.1); c.1526_1538del, p.Tyr509fs (NM_001370979.1, NM_001370980.1); c.1292_1304del, p.Tyr431fs (NM_001370981.1, NM_001370982.1); c.1550_1562del13 (NM_001267039.1); short protein forms Y510fs, Y523fs, Y431fs, Y509fs, Y522fs.
Identifiers: ClinVar variation 804445 (VCV000804445.4), dbSNP rs1578642104, ClinGen allele CA915943193.

ClinVar aggregate classification (germline): Likely pathogenic. Review status: criteria provided, multiple submitters, no conflicts (2 of 4 stars). 2 submissions from 2 submitters: Likely pathogenic (2). Last evaluated 2025-07-23.

Conditions:
Microcephalic primordial dwarfism, Alazami type. Also called: FACIAL DYSMORPHISM, INTELLECTUAL DISABILITY, AND PRIMORDIAL DWARFISM; Alazami syndrome. Identifiers: Orphanet 319671, MedGen C3554439, MONDO:0014031, OMIM 615071.
LARP7-related disorder. Also called: LARP7-related condition.

Submissions (2):

PreventionGenetics, part of Exact Sciences
Classification: Likely pathogenic for LARP7-related condition. Last evaluated: 2025-07-23. Review status: criteria provided, single submitter. Criteria: ACMG Guidelines, 2015. Collection method: clinical testing. Allele origin: germline.
Comment: The LARP7 c.1550_1562del13 variant is predicted to result in a frameshift and premature protein termination (p.Tyr517Serfs*44). To our knowledge, this variant has not been reported in the literature or a large population database (gnomAD), indicating this variant is rare. Frameshift variants in LARP7 are expected to be pathogenic. This variant is interpreted as likely pathogenic.

Hadassah Hebrew University Medical Center
Classification: Likely pathogenic for Microcephalic primordial dwarfism, Alazami type. Last evaluated: 2019-06-20. Review status: criteria provided, single submitter. Criteria: ACMG Guidelines, 2015. Collection method: clinical testing. Allele origin: germline. Inheritance: Autosomal recessive inheritance. Affected: yes.